The following is an entry in ClinVar:

NM_000138.5(FBN1):c.3982A>T (p.Ile1328Phe)

Gene: FBN1 (fibrillin 1; minus strand). Cytogenetic location: 15q21.1.
Variant type: single nucleotide variant.
Coding change: c.3982A>T on transcript NM_000138.5 (MANE Select); coding-DNA position 3982, A replaced by T.
Protein change: p.Ile1328Phe; replaces isoleucine 1328 with phenylalanine.
Molecular consequence: missense variant.
Genome position (GRCh38, 1-based): chr15:48,474,633, T>A on the plus strand (A>T on the coding strand, the complement: FBN1 is on the minus strand). VCF-style: chr15-48474633-T-A. GRCh37 (hg19) VCF-style: chr15-48766830-T-A.
Other names: c.3982A>T, p.Ile1328Phe (NM_001406716.1); short protein forms I1328F.
Identifiers: ClinVar variation 4789020 (VCV004789020.1).

ClinVar aggregate classification (germline): Uncertain significance (1 of 4 stars; one submission).

Conditions:
Marfan syndrome (MFS). Also called: FBN1-Related Marfan Syndrome; MARFAN SYNDROME, TYPE I; Marfan syndrome type 1; Marfan's syndrome; Marfan syndrome, classic. Identifiers: Orphanet 284963, Orphanet 558, MedGen C0024796, MONDO:0007947, OMIM 154700.
Familial thoracic aortic aneurysm and aortic dissection (TAAD). Also called: Thoracic aortic aneurysms and dissections. Identifiers: Orphanet 91387, MedGen C4707243, MONDO:0019625.

gnomAD v4.1: 2 of 1,614,164 alleles (0.00012%); highest among the groups gnomAD compares: Non-Finnish European, 0.00017%; no homozygotes.

Submission:

Labcorp Genetics (formerly Invitae), Labcorp
Classification: Uncertain significance for Marfan syndrome; Familial thoracic aortic aneurysm and aortic dissection. Last evaluated: 2025-10-22. Review status: criteria provided, single submitter. Criteria: Invitae Variant Classification Sherloc (09022015). Collection method: clinical testing. Allele origin: germline.
Comment: This sequence change replaces isoleucine, which is neutral and non-polar, with phenylalanine, which is neutral and non-polar, at codon 1328 of the FBN1 protein (p.Ile1328Phe). This variant is not present in population databases (gnomAD no frequency). This variant has not been reported in the literature in individuals affected with FBN1-related conditions. Invitae Evidence Modeling of protein sequence and biophysical properties (such as structural, functional, and spatial information, amino acid conservation, physicochemical variation, residue mobility, and thermodynamic stability) indicates that this missense variant is expected to disrupt FBN1 protein function with a positive predictive value of 95%. In summary, the available evidence is currently insufficient to determine the role of this variant in disease. Therefore, it has been classified as a Variant of Uncertain Significance.